The following is an entry in ClinVar:

NM_001001563.5(TIMM50):c.982G>A (p.Glu328Lys)

Gene: TIMM50 (translocase of inner mitochondrial membrane 50; plus strand). Cytogenetic location: 19q13.2.
Variant type: single nucleotide variant.
Coding change: c.982G>A on transcript NM_001001563.5 (MANE Select); coding-DNA position 982, G replaced by A.
Protein change: p.Glu328Lys; replaces glutamic acid 328 with lysine.
Molecular consequence: missense variant.
Genome position (GRCh38, 1-based): chr19:39,489,740, G>A. VCF-style: chr19-39489740-G-A. GRCh37 (hg19) VCF-style: chr19-39980380-G-A.
Other names: c.643G>A, p.Glu215Lys (NM_001329559.2); c.1291G>A (NM_001001563.1); short protein forms E215K, E328K.
Identifiers: ClinVar variation 2149884 (VCV002149884.4), dbSNP rs143168436, ClinGen allele CA9432048.
Genomic context (GRCh38, chr19:39,489,740, plus strand): 5'-TTGCGCTGACCCTCTCCTCCAACTGTCCCCCTACCCCAGGAGGAGCAGCAGCGCCTGGCC[G>A]AGCTCTCCAAGTCCAACAAGCAGAACCTCTTCCTTGGCTCCCTCACCAGCCGCTTGTGGC-3'
Protein context (NP_001001563.2, residues 318-338): LEQEEQQRLA[Glu328Lys]LSKSNKQNLF

ClinVar aggregate classification (germline): Uncertain significance. Review status: criteria provided, multiple submitters, no conflicts (2 of 4 stars). 2 submissions from 2 submitters: Uncertain significance (2). Last evaluated 2024-02-28.

Conditions:
Inborn genetic diseases. Identifiers: MedGen C0950123, MeSH D030342.

Allele frequency attached by ClinVar (database versions not stated): gnomAD exomes 0.00001; gnomAD 0.00003; ExAC 0.00004; TOPMed 0.00004; ESP Exome Variant Server 0.00023.

Submissions (2):

Ambry Genetics
Classification: Uncertain significance for Inborn genetic diseases. Last evaluated: 2024-02-28. Review status: criteria provided, single submitter. Criteria: Ambry Variant Classification Scheme 2023. Collection method: clinical testing. Allele origin: germline.

Labcorp Genetics (formerly Invitae), Labcorp
Classification: Uncertain significance. Last evaluated: 2022-04-04. Review status: criteria provided, single submitter. Criteria: Invitae Variant Classification Sherloc (09022015). Collection method: clinical testing. Allele origin: germline.
Comment: In summary, the available evidence is currently insufficient to determine the role of this variant in disease. Therefore, it has been classified as a Variant of Uncertain Significance. Algorithms developed to predict the effect of missense changes on protein structure and function are either unavailable or do not agree on the potential impact of this missense change (SIFT: "Not Available"; PolyPhen-2: "Benign"; Align-GVGD: "Not Available"). This variant has not been reported in the literature in individuals affected with TIMM50-related conditions. This variant is present in population databases (rs143168436, gnomAD 0.01%). This sequence change replaces glutamic acid, which is acidic and polar, with lysine, which is basic and polar, at codon 431 of the TIMM50 protein (p.Glu431Lys).